The following is an entry in ClinVar:

NM_006767.4(LZTR1):c.2372A>C (p.His791Pro)

Gene: LZTR1 (leucine zipper like post translational regulator 1; plus strand). Cytogenetic location: 22q11.21.
Variant type: single nucleotide variant.
Coding change: c.2372A>C on transcript NM_006767.4 (MANE Select); coding-DNA position 2372, A replaced by C.
Protein change: p.His791Pro; replaces histidine 791 with proline.
Molecular consequence: missense variant.
Genome position (GRCh38, 1-based): chr22:20,996,932, A>C. VCF-style: chr22-20996932-A-C. GRCh37 (hg19) VCF-style: chr22-21351221-A-C.
Other names: short protein forms H791P.
Identifiers: ClinVar variation 3869349 (VCV003869349.2).

ClinVar aggregate classification (germline): Uncertain significance. Review status: criteria provided, multiple submitters, no conflicts (2 of 4 stars). 2 submissions from 2 submitters: Uncertain significance (2). Last evaluated 2025-08-24.

Conditions:
Cardiovascular phenotype. Identifiers: MedGen CN230736.
Hereditary cancer-predisposing syndrome. Also called: Tumor predisposition; Neoplastic Syndromes, Hereditary; Hereditary Cancer Syndrome; Hereditary neoplastic syndrome. Identifiers: Orphanet 140162, MedGen C0027672, MeSH D009386, MONDO:0015356.

Submissions (2):

Labcorp Genetics (formerly Invitae), Labcorp
Classification: Uncertain significance. Last evaluated: 2025-08-24. Review status: criteria provided, single submitter. Criteria: Invitae Variant Classification Sherloc (09022015). Collection method: clinical testing. Allele origin: germline.
Comment: This sequence change replaces histidine, which is basic and polar, with proline, which is neutral and non-polar, at codon 791 of the LZTR1 protein (p.His791Pro). This variant is not present in population databases (gnomAD no frequency). This variant has not been reported in the literature in individuals affected with LZTR1-related conditions. ClinVar contains an entry for this variant (Variation ID: 3869349). Invitae Evidence Modeling of protein sequence and biophysical properties (such as structural, functional, and spatial information, amino acid conservation, physicochemical variation, residue mobility, and thermodynamic stability) indicates that this missense variant is not expected to disrupt LZTR1 protein function with a negative predictive value of 80%. In summary, the available evidence is currently insufficient to determine the role of this variant in disease. Therefore, it has been classified as a Variant of Uncertain Significance.

Ambry Genetics
Classification: Uncertain significance for Cardiovascular phenotype; Hereditary cancer-predisposing syndrome. Last evaluated: 2025-03-08. Review status: criteria provided, single submitter. Criteria: Ambry Variant Classification Scheme 2023. Collection method: clinical testing. Allele origin: germline.
Comment: The p.H791P variant (also known as c.2372A>C), located in coding exon 20 of the LZTR1 gene, results from an A to C substitution at nucleotide position 2372. The histidine at codon 791 is replaced by proline, an amino acid with similar properties. This amino acid position is conserved. In addition, this alteration is predicted to be deleterious by in silico analysis. Based on the available evidence, the clinical significance of this variant remains unclear.